The following is an entry in ClinVar:

NM_005609.4(PYGM):c.2313-1G>A

Gene: PYGM (glycogen phosphorylase, muscle associated; minus strand). Cytogenetic location: 11q13.1.
Variant type: single nucleotide variant.
Coding change: c.2313-1G>A on transcript NM_005609.4 (MANE Select); the canonical splice acceptor site of the intron before coding-DNA position 2313, G replaced by A.
Molecular consequence: splice acceptor variant.
Genome position (GRCh38, 1-based): chr11:64,746,988, C>T on the plus strand (G>A on the coding strand, the complement: PYGM is on the minus strand). VCF-style: chr11-64746988-C-T. GRCh37 (hg19) VCF-style: chr11-64514460-C-T.
Other names: c.2049-1G>A (NM_001164716.1); c.2313-1G>A (NM_005609.3).
Identifiers: ClinVar variation 2678136 (VCV002678136.3), dbSNP rs2496637644, ClinGen allele CA381164728.
Genomic context (GRCh38, chr11:64,746,988, plus strand): 5'-AAGGCGCTGACTTTCTCCTGGCATTTAATGTAGTCTTCATAATCTGCGAAGACTTTAAAC[C>T]TGGAGGGGAAAGGATAGGCATGTGCTATTCCTTTAGGGGGCTAGGATAAGTTCTATGAGG-3'

ClinVar aggregate classification (germline): Likely pathogenic. Review status: criteria provided, multiple submitters, no conflicts (2 of 4 stars). 3 submissions from 3 submitters: Likely pathogenic (3). Last evaluated 2025-10-21.

Conditions:
Glycogen storage disease, type V (GSD5). Also called: McArdle type glycogen storage disease; MCARDLE DISEASE; MUSCLE GLYCOGEN PHOSPHORYLASE DEFICIENCY; MYOPHOSPHORYLASE DEFICIENCY; PYGM DEFICIENCY. Identifiers: Orphanet 368, MedGen C0017924, MONDO:0009293, OMIM 232600.
Acute rhabdomyolysis. Identifiers: MedGen C3807306, HP:0008942.

Submissions (3):

NHS Central & South Genomic Laboratory Hub
Classification: Likely pathogenic for Acute Rhabdomyolysis. Last evaluated: 2025-10-21. Review status: criteria provided, single submitter. Criteria: ACMG Guidelines, 2015. Collection method: clinical testing. Allele origin: germline. Affected: yes.

Natera, Inc.
Classification: Likely pathogenic for Glycogen storage disease V. Last evaluated: 2024-12-26. Review status: criteria provided, single submitter. Criteria: Natera Variant Classification Schema (03/2026). Collection method: clinical testing. Allele origin: germline.
Comment: The c.2313-1G>A variant in PYGM is a canonical splice acceptor site variant predicted to affect pre-mRNA splicing, which may result in an abnormal transcript and altered protein product. This variant is expected to result in nonsense mediated decay, truncation, or a dysfunctional protein product. This variant is rare in the general population with a frequency below the threshold expected for the associated phenotype(s). Given the available evidence, this variant is classified as Likely Pathogenic.

Baylor Genetics
Classification: Likely pathogenic for Glycogen storage disease, type V. Last evaluated: 2023-01-19. Review status: criteria provided, single submitter. Criteria: ACMG Guidelines, 2015. Collection method: clinical testing. Allele origin: unknown.